The following is an entry in ClinVar:

NM_153717.3(EVC):c.1818A>C (p.Thr606=)

Gene: EVC (EvC ciliary complex subunit 1; plus strand). Cytogenetic location: 4p16.2.
Variant type: single nucleotide variant.
Coding change: c.1818A>C on transcript NM_153717.3 (MANE Select); coding-DNA position 1818, A replaced by C.
Protein change: p.Thr606=; no amino-acid change (threonine 606 retained).
Molecular consequence: synonymous variant.
Genome position (GRCh38, 1-based): chr4:5,793,649, A>C. VCF-style: chr4-5793649-A-C. GRCh37 (hg19) VCF-style: chr4-5795376-A-C.
Other names: c.1818A>C, p.Thr606= (NM_001306090.2).
Identifiers: ClinVar variation 349187 (VCV000349187.19), dbSNP rs202093497, ClinGen allele CA2836276.

ClinVar aggregate classification (germline): Conflicting classifications of pathogenicity. Review status: criteria provided, conflicting classifications (1 of 4 stars). 5 submissions from 5 submitters: Uncertain significance (1); Likely benign (4). Last evaluated 2025-11-12.

Conditions:
Ellis-van Creveld syndrome (EVC). Also called: MESOECTODERMAL DYSPLASIA; Chondroectodermal dysplasia. Identifiers: Orphanet 289, MedGen C0013903, MONDO:0009162, OMIM 225500.
Curry-Hall syndrome (WAD). Also called: WEYERS ACRODENTAL DYSOSTOSIS. Identifiers: Orphanet 952, MedGen C0457013, MONDO:0008673, OMIM 193530.

Allele frequency attached by ClinVar (database versions not stated): gnomAD exomes 0.00011 and 0.00015; gnomAD 0.00013 and 0.00014; 1000 Genomes Project 30x 0.00016; 1000 Genomes Project 0.00020; ExAC 0.00005; ESP Exome Variant Server 0.00008; TOPMed 0.00009.
gnomAD v4.1: 219 of 1,552,906 alleles (0.014%); highest among the groups gnomAD compares: Non-Finnish European, 0.017%; 1 homozygote.

Submissions (5):

Labcorp Genetics (formerly Invitae), Labcorp
Classification: Likely benign for Curry-Hall syndrome; Ellis-van Creveld syndrome. Last evaluated: 2025-11-12. Review status: criteria provided, single submitter. Criteria: Invitae Variant Classification Sherloc (09022015). Collection method: clinical testing. Allele origin: germline.

Blueprint Genetics
Classification: Likely benign. Last evaluated: 2024-10-25. Review status: criteria provided, single submitter. Criteria: ACMG Guidelines, 2015. Collection method: clinical testing. Allele origin: germline.

Women's Health and Genetics/Laboratory Corporation of America, LabCorp
Classification: Likely benign. Last evaluated: 2024-03-07. Review status: criteria provided, single submitter. Criteria: LabCorp Variant Classification Summary - May 2015. Collection method: clinical testing. Allele origin: germline.

GeneDx
Classification: Likely benign. Last evaluated: 2018-06-13. Review status: criteria provided, single submitter. Criteria: GeneDx Variant Classification (06012015). Collection method: clinical testing. Allele origin: germline. Affected: yes.
Comment: This variant is considered likely benign or benign based on one or more of the following criteria: it is a conservative change, it occurs at a poorly conserved position in the protein, it is predicted to be benign by multiple in silico algorithms, and/or has population frequency not consistent with disease.

Illumina Laboratory Services, Illumina
Classification: Uncertain significance for Ellis-van Creveld syndrome. Last evaluated: 2018-01-13. Review status: criteria provided, single submitter. Criteria: ICSL Variant Classification Criteria 13 December 2019. Collection method: clinical testing. Allele origin: germline.